The following is an entry in ClinVar:

ClinVar aggregate classification (germline): Benign/Likely benign. Review status: criteria provided, multiple submitters, no conflicts (2 of 4 stars). 3 submissions from 3 submitters: Benign (1); Likely benign (2). Last evaluated 2025-12-19.

Conditions:
Tuberous sclerosis 2 (TSC2). Identifiers: Orphanet 805, MedGen C1860707, MONDO:0013199, OMIM 613254.

Allele frequency attached by ClinVar (database versions not stated): TOPMed 0.00001; gnomAD 0.00002 and 0.00004; ESP Exome Variant Server 0.00008; ExAC 0.00017.

Submissions (3):

Labcorp Genetics (formerly Invitae), Labcorp
Classification: Benign for Tuberous sclerosis 2. Last evaluated: 2025-12-19. Review status: criteria provided, single submitter. Criteria: Invitae Variant Classification Sherloc (09022015). Collection method: clinical testing. Allele origin: germline.

Blueprint Genetics
Classification: Likely benign. Last evaluated: 2024-11-07. Review status: criteria provided, single submitter. Criteria: ACMG Guidelines, 2015. Collection method: clinical testing. Allele origin: germline.

GeneDx
Classification: Likely benign. Last evaluated: 2017-02-02. Review status: criteria provided, single submitter. Criteria: GeneDx Variant Classification (06012015). Collection method: clinical testing. Allele origin: germline. Affected: yes.
Comment: This variant is considered likely benign or benign based on one or more of the following criteria: it is a conservative change, it occurs at a poorly conserved position in the protein, it is predicted to be benign by multiple in silico algorithms, and/or has population frequency not consistent with disease.

NM_000548.5(TSC2):c.2966+19G>T

Gene: TSC2 (TSC complex subunit 2; plus strand). Cytogenetic location: 16p13.3.
Variant type: single nucleotide variant.
Coding change: c.2966+19G>T on transcript NM_000548.5 (MANE Select); 19 bases into the intron after coding-DNA position 2966, G replaced by T.
Molecular consequence: intron variant.
Genome position (GRCh38, 1-based): chr16:2,077,745, G>T. VCF-style: chr16-2077745-G-T. GRCh37 (hg19) VCF-style: chr16-2127746-G-T.
Other names: c.2966+19G>T (NM_001114382.3); c.2837+1160G>T (NM_021055.3, NM_001370405.1, NM_001363528.2 and 2 more transcripts); c.2726+1160G>T (NM_001318827.2); c.2237+1160G>T (NM_001318831.2); c.2690+1160G>T (NM_001318829.2); c.2870+1160G>T (NM_001318832.2).
Identifiers: ClinVar variation 517731 (VCV000517731.9), dbSNP rs377514748, ClinGen allele CA043106.